The following is an entry in ClinVar:

ClinVar aggregate classification (germline): Conflicting classifications of pathogenicity. Review status: criteria provided, conflicting classifications (1 of 4 stars). 2 submissions from 2 submitters: Likely pathogenic (1); Uncertain significance (1). Last evaluated 2024-02-24.

Conditions:
Inborn genetic diseases. Identifiers: MedGen C0950123, MeSH D030342.
Brown-Vialetto-van Laere syndrome 1. Also called: BROWN-VIALETTO-VAN LAERE SYNDROME 1, MILD; PONTOBULBAR PALSY WITH DEAFNESS; BULBAR PALSY, PROGRESSIVE, WITH SENSORINEURAL DEAFNESS. Identifiers: Orphanet 572550, Orphanet 97229, MedGen C0796274, MONDO:0024537, OMIM 211530.

Submissions (2):

Labcorp Genetics (formerly Invitae), Labcorp
Classification: Uncertain significance for Brown-Vialetto-van Laere syndrome 1. Last evaluated: 2024-02-24. Review status: criteria provided, single submitter. Criteria: Invitae Variant Classification Sherloc (09022015). Collection method: clinical testing. Allele origin: germline.
Comment: This sequence change replaces cysteine, which is neutral and slightly polar, with arginine, which is basic and polar, at codon 386 of the SLC52A3 protein (p.Cys386Arg). This variant is not present in population databases (gnomAD no frequency). This missense change has been observed in individuals with clinical features of SLC52A3-related conditions (PMID: 28856173; Invitae). ClinVar contains an entry for this variant (Variation ID: 521339). Advanced modeling of protein sequence and biophysical properties (such as structural, functional, and spatial information, amino acid conservation, physicochemical variation, residue mobility, and thermodynamic stability) performed at Invitae indicates that this missense variant is expected to disrupt SLC52A3 protein function with a positive predictive value of 80%. In summary, the available evidence is currently insufficient to determine the role of this variant in disease. Therefore, it has been classified as a Variant of Uncertain Significance.

Ambry Genetics
Classification: Likely pathogenic for Inborn genetic diseases. Last evaluated: 2017-01-20. Review status: criteria provided, single submitter. Criteria: Ambry exome assertion method (8-5-2015). Collection method: clinical testing. Allele origin: germline. Affected: yes. Observed: 1 variant allele.

Literature cited by the submitters: PubMed 28856173 (cited by Labcorp Genetics (formerly Invitae), Labcorp); PubMed 21512156 (cited by Ambry Genetics).

NM_033409.4(SLC52A3):c.1156T>C (p.Cys386Arg)

Gene: SLC52A3 (solute carrier family 52 member 3; minus strand). Cytogenetic location: 20p13.
Variant type: single nucleotide variant.
Coding change: c.1156T>C on transcript NM_033409.4 (MANE Select); coding-DNA position 1156, T replaced by C.
Protein change: p.Cys386Arg; replaces cysteine 386 with arginine.
Molecular consequence: missense variant.
Genome position (GRCh38, 1-based): chr20:761,742, A>G on the plus strand (T>C on the coding strand, the complement: SLC52A3 is on the minus strand). VCF-style: chr20-761742-A-G. GRCh37 (hg19) VCF-style: chr20-742386-A-G.
Other names: c.1156T>C, p.Cys386Arg (NM_001370085.1, NM_001370086.1); short protein forms C386R.
Identifiers: ClinVar variation 521339 (VCV000521339.12), dbSNP rs1555783543, ClinGen allele CA407962325.
Genomic context (GRCh38, chr20:761,742, plus strand): 5'-CCACCGGCCGGATACTCACAATGAGGACTTCCCCACCCCAGTGGCCCTGCAAGAGGGGGC[A>G]GGGGCTCATCACCGCCATGGCCATGTTGTAGCCCCCAAAGCAGGTCCCAAGCACGGAGAG-3'
Protein context (NP_212134.3, residues 376-396): YNMAMAVMSP[Cys386Arg]PLLQGHWGGE